The following is an entry in ClinVar:

ClinVar aggregate classification (germline): Benign/Likely benign. Review status: criteria provided, multiple submitters, no conflicts (2 of 4 stars). 13 submissions from 13 submitters: Benign (3); Likely benign (9). 1 of the submissions does not count toward it. Last evaluated 2026-01-31.

Conditions:
TSC2-related disorder. Also called: TSC2-related condition; TSC2-Related Disorders.
Hereditary cancer-predisposing syndrome. Also called: Hereditary Cancer Syndrome; Tumor predisposition; Neoplastic Syndromes, Hereditary; Hereditary neoplastic syndrome. Identifiers: Orphanet 140162, MedGen C0027672, MeSH D009386, MONDO:0015356.
Ovarian cancer. Also called: OVARIAN CANCER, SOMATIC. Identifiers: Orphanet 213500, MedGen C1140680, MONDO:0008170, OMIM 167000.
Tuberous sclerosis syndrome (TSC). Also called: Tuberous Sclerosis Complex; Tuberous sclerosis. Identifiers: Orphanet 805, MedGen C0041341, MONDO:0001734.
Tuberous sclerosis 2 (TSC2). Identifiers: Orphanet 805, MedGen C1860707, MONDO:0013199, OMIM 613254.

Allele frequency attached by ClinVar (database versions not stated): gnomAD exomes 0.00004 and 0.00006; ExAC 0.00005; gnomAD 0.00005; TOPMed 0.00007.
gnomAD v4.1: 68 of 1,611,176 alleles (0.0042%); highest among the groups gnomAD compares: East Asian, 0.018%; no homozygotes.

Submissions (13):

Labcorp Genetics (formerly Invitae), Labcorp
Classification: Benign for Tuberous sclerosis 2. Last evaluated: 2026-01-31. Review status: criteria provided, single submitter. Criteria: Invitae Variant Classification Sherloc (09022015). Collection method: clinical testing. Allele origin: germline.

PreventionGenetics, part of Exact Sciences
Classification: Likely benign for TSC2-related condition. Last evaluated: 2025-12-31. Review status: criteria provided, single submitter. Criteria: ACMG Guidelines, 2015. Collection method: clinical testing. Allele origin: germline.
Comment: This variant is classified as likely benign based on ACMG/AMP sequence variant interpretation guidelines (Richards et al. 2015 PMID: 25741868, with internal and published modifications).

Myriad Genetics, Inc.
Classification: Likely benign for Tuberous sclerosis 2. Last evaluated: 2025-06-02. Review status: criteria provided, single submitter. Criteria: Myriad Autosomal Dominant, Autosomal Recessive and X-Linked Classification Criteria (2023). Collection method: clinical testing. Allele origin: unknown.
Comment: This variant is considered likely benign. This variant has been observed at a population frequency that is significantly greater than expected given the associated disease prevalence and penetrance.

CeGaT Center for Human Genetics Tuebingen
Classification: Likely benign. Last evaluated: 2025-03-01. Review status: criteria provided, single submitter. Criteria: CeGaT Center For Human Genetics Tuebingen Variant Classification Criteria Version 2. Collection method: clinical testing. Allele origin: germline. Affected: yes. Observed: 5 variant alleles.
Comment: TSC2: BP4

Blueprint Genetics
Classification: Likely benign. Last evaluated: 2023-05-15. Review status: criteria provided, single submitter. Criteria: ACMG Guidelines, 2015. Collection method: clinical testing. Allele origin: germline.

Quest Diagnostics Nichols Institute San Juan Capistrano
Classification: Likely benign. Last evaluated: 2022-12-03. Review status: criteria provided, single submitter. Criteria: Quest Diagnostics criteria. Collection method: clinical testing. Allele origin: unknown.
Comment: The frequency of this variant in the general population is higher than would generally be expected for pathogenic variants in this gene. Computational tools predict this amino acid change may be benign.

Color Diagnostics, LLC DBA Color Health
Classification: Likely benign for Tuberous sclerosis syndrome. Last evaluated: 2022-10-05. Review status: criteria provided, single submitter. Criteria: ACMG Guidelines, 2015. Collection method: clinical testing. Allele origin: germline.

Laboratory of Molecular Epidemiology of Birth Defects, West China Second University Hospital, Sichuan University
Classification: Benign for Ovarian cancer. Last evaluated: 2022-01-01. Review status: criteria provided, single submitter. Criteria: ACMG Guidelines, 2015. Collection method: clinical testing. Allele origin: germline. Affected: yes.

Genome-Nilou Lab
Classification: Likely benign for Tuberous sclerosis 2. Last evaluated: 2021-11-07. Review status: criteria provided, single submitter. Criteria: ACMG Guidelines, 2015. Collection method: clinical testing. Allele origin: germline. Affected: no.

Sema4
Classification: Likely benign for Hereditary cancer-predisposing syndrome. Last evaluated: 2021-10-01. Review status: criteria provided, single submitter. Criteria: Sema4 Curation Guidelines. Collection method: curation. Allele origin: germline.

Ambry Genetics
Classification: Benign for Hereditary cancer-predisposing syndrome. Last evaluated: 2020-11-13. Review status: criteria provided, single submitter. Criteria: Ambry Variant Classification Scheme 2023. Collection method: clinical testing. Allele origin: germline.

GeneDx
Classification: Likely benign. Last evaluated: 2017-01-27. Review status: criteria provided, single submitter. Criteria: GeneDx Variant Classification (06012015). Collection method: clinical testing. Allele origin: germline. Affected: yes.
Comment: This variant is considered likely benign or benign based on one or more of the following criteria: it is a conservative change, it occurs at a poorly conserved position in the protein, it is predicted to be benign by multiple in silico algorithms, and/or has population frequency not consistent with disease.

Tuberous sclerosis database (TSC2)
No classification provided. Condition: TSC. Review status: no classification provided. Criteria: Tuberous Sclerosis Database Assertion Criteria 2015. Collection method: curation. Allele origin: germline. Affected: yes. Not counted in ClinVar's aggregate classification.

NM_000548.5(TSC2):c.3968C>T (p.Ala1323Val)

Gene: TSC2 (TSC complex subunit 2; plus strand). Cytogenetic location: 16p13.3.
Variant type: single nucleotide variant.
Coding change: c.3968C>T on transcript NM_000548.5 (MANE Select); coding-DNA position 3968, C replaced by T.
Protein change: p.Ala1323Val; replaces alanine 1323 with valine.
Molecular consequence: missense variant.
Genome position (GRCh38, 1-based): chr16:2,083,779, C>T. VCF-style: chr16-2083779-C-T. GRCh37 (hg19) VCF-style: chr16-2133780-C-T.
Other names: p.A1323V:GCG>GTG; c.3767C>T, p.Ala1256Val (NM_001077183.3); c.3899C>T, p.Ala1300Val (NM_001114382.3); c.3659C>T, p.Ala1220Val (NM_001318827.2); c.3623C>T, p.Ala1208Val (NM_001318829.2); c.3236C>T, p.Ala1079Val (NM_001318831.2); c.3800C>T, p.Ala1267Val (NM_001318832.2); c.3770C>T, p.Ala1257Val (NM_001363528.2); and 3 more; short protein forms A1323V, A1257V, A1279V, A1208V, A1220V, A1256V, A1267V, A1280V.
Identifiers: ClinVar variation 65083 (VCV000065083.41), dbSNP rs397515062, ClinGen allele CA019767.